The following is an entry in ClinVar:

ClinVar aggregate classification (germline): Uncertain significance (1 of 4 stars; one submission).

Allele frequency attached by ClinVar (database versions not stated): gnomAD 0.00001; gnomAD exomes 0.00001; TOPMed 0.00003; ESP Exome Variant Server 0.00015.
gnomAD v4.1: 10 of 1,613,098 alleles (0.00062%); highest among the groups gnomAD compares: African/African-American, 0.013%; no homozygotes.

Submission:

Labcorp Genetics (formerly Invitae), Labcorp
Classification: Uncertain significance. Last evaluated: 2022-04-09. Review status: criteria provided, single submitter. Criteria: Invitae Variant Classification Sherloc (09022015). Collection method: clinical testing. Allele origin: germline.
Comment: This sequence change replaces glutamic acid, which is acidic and polar, with glycine, which is neutral and non-polar, at codon 1764 of the LRP2 protein (p.Glu1764Gly). This variant is present in population databases (rs148176970, gnomAD 0.01%). This variant has not been reported in the literature in individuals affected with LRP2-related conditions. Advanced modeling of protein sequence and biophysical properties (such as structural, functional, and spatial information, amino acid conservation, physicochemical variation, residue mobility, and thermodynamic stability) performed at Invitae indicates that this missense variant is not expected to disrupt LRP2 protein function. In summary, the available evidence is currently insufficient to determine the role of this variant in disease. Therefore, it has been classified as a Variant of Uncertain Significance.

NM_004525.3(LRP2):c.5291A>G (p.Glu1764Gly)

Gene: LRP2 (LDL receptor related protein 2; minus strand). Cytogenetic location: 2q31.1.
Variant type: single nucleotide variant.
Coding change: c.5291A>G on transcript NM_004525.3 (MANE Select); coding-DNA position 5291, A replaced by G.
Protein change: p.Glu1764Gly; replaces glutamic acid 1764 with glycine.
Molecular consequence: missense variant.
Genome position (GRCh38, 1-based): chr2:169,226,525, T>C on the plus strand (A>G on the coding strand, the complement: LRP2 is on the minus strand). VCF-style: chr2-169226525-T-C. GRCh37 (hg19) VCF-style: chr2-170083035-T-C.
Other names: short protein forms E1764G.
Identifiers: ClinVar variation 1957629 (VCV001957629.2), dbSNP rs148176970, ClinGen allele CA59908197.